The following is an entry in ClinVar:

NM_004168.4(SDHA):c.1108C>A (p.His370Asn)

Gene: SDHA (succinate dehydrogenase complex flavoprotein subunit A; plus strand). Cytogenetic location: 5p15.33.
Variant type: single nucleotide variant.
Coding change: c.1108C>A on transcript NM_004168.4 (MANE Select); coding-DNA position 1108, C replaced by A.
Protein change: p.His370Asn; replaces histidine 370 with asparagine.
Molecular consequence: missense variant.
Genome position (GRCh38, 1-based): chr5:235,187, C>A. VCF-style: chr5-235187-C-A. GRCh37 (hg19) VCF-style: chr5-235302-C-A.
Other names: c.964C>A, p.His322Asn (NM_001294332.2); c.1108C>A, p.His370Asn (NM_001330758.2); c.1108C>A (NM_004168.2); short protein forms H370N, H322N.
Identifiers: ClinVar variation 412334 (VCV000412334.17), dbSNP rs1060503704, ClinGen allele CA16611954.
Genomic context (GRCh38, chr5:235,187, plus strand): 5'-GTGTTCTGTCTTACCAGAGGCTGTGGCCCTGAGAAAGATCACGTCTACCTGCAGCTGCAC[C>A]ACCTACCTCCAGAGCAGCTGGCCACGCGCCTGCCTGGCATTTCAGAGACAGCCATGATCT-3'
Protein context (NP_004159.2, residues 360-380): EKDHVYLQLH[His370Asn]LPPEQLATRL

ClinVar aggregate classification (germline): Uncertain significance. Review status: criteria provided, multiple submitters, no conflicts (2 of 4 stars). 3 submissions from 3 submitters: Uncertain significance (2). 1 of the submissions does not count toward it. Last evaluated 2025-08-06.

Conditions:
SDHA-related disorder. Also called: SDHA-related disorders; SDHA-related condition.
Hereditary cancer-predisposing syndrome. Also called: Neoplastic Syndromes, Hereditary; Hereditary Cancer Syndrome; Tumor predisposition; Hereditary neoplastic syndrome. Identifiers: Orphanet 140162, MedGen C0027672, MeSH D009386, MONDO:0015356.
Mitochondrial complex II deficiency, nuclear type 1. Also called: SUCCINATE CoQ REDUCTASE DEFICIENCY. Identifiers: Orphanet 3208, MedGen C5700310, MONDO:0100294, OMIM 252011.
Pheochromocytoma/paraganglioma syndrome 5. Also called: SDHA-Related Hereditary Paraganglioma-Pheochromocytoma Syndrome; Paragangliomas 5. Identifiers: Orphanet 29072, MedGen C3279992, MONDO:0013602, OMIM 614165.

Allele frequency attached by ClinVar (database versions not stated): gnomAD exomes 0.00001; TOPMed 0.00001.
gnomAD v4.1: 12 of 1,613,854 alleles (0.00074%); highest among the groups gnomAD compares: Non-Finnish European, 0.001%; no homozygotes.

Submissions (3):

Labcorp Genetics (formerly Invitae), Labcorp
Classification: Uncertain significance for Pheochromocytoma/paraganglioma syndrome 5; Mitochondrial complex II deficiency, nuclear type 1. Last evaluated: 2025-08-06. Review status: criteria provided, single submitter. Criteria: Invitae Variant Classification Sherloc (09022015). Collection method: clinical testing. Allele origin: germline.
Comment: This sequence change replaces histidine, which is basic and polar, with asparagine, which is neutral and polar, at codon 370 of the SDHA protein (p.His370Asn). This variant is not present in population databases (gnomAD no frequency). This variant has not been reported in the literature in individuals affected with SDHA-related conditions. ClinVar contains an entry for this variant (Variation ID: 412334). Invitae Evidence Modeling of protein sequence and biophysical properties (such as structural, functional, and spatial information, amino acid conservation, physicochemical variation, residue mobility, and thermodynamic stability) indicates that this missense variant is not expected to disrupt SDHA protein function with a negative predictive value of 95%. In summary, the available evidence is currently insufficient to determine the role of this variant in disease. Therefore, it has been classified as a Variant of Uncertain Significance.

Ambry Genetics
Classification: Uncertain significance for Hereditary cancer-predisposing syndrome. Last evaluated: 2023-02-04. Review status: criteria provided, single submitter. Criteria: Ambry Variant Classification Scheme 2023. Collection method: clinical testing. Allele origin: germline.
Comment: The p.H370N variant (also known as c.1108C>A), located in coding exon 9 of the SDHA gene, results from a C to A substitution at nucleotide position 1108. The histidine at codon 370 is replaced by asparagine, an amino acid with similar properties. This amino acid position is conserved. In addition, the in silico prediction for this alteration is inconclusive. Since supporting evidence is limited at this time, the clinical significance of this alteration remains unclear.

PreventionGenetics, part of Exact Sciences
Classification: Uncertain significance for SDHA-related condition. Last evaluated: 2024-02-07. Review status: no assertion criteria provided. Collection method: clinical testing. Allele origin: germline. Not counted in ClinVar's aggregate classification.
Comment: The SDHA c.1108C>A variant is predicted to result in the amino acid substitution p.His370Asn. To our knowledge, this variant has not been reported in the literature or in a large population database, indicating this variant is rare. This variant is reported as variant of uncertain significance in ClinVar. At this time, the clinical significance of this variant is uncertain due to the absence of conclusive functional and genetic evidence.